The following is an entry in ClinVar:

NM_000156.6(GAMT):c.570+165G>A

Gene: GAMT (guanidinoacetate N-methyltransferase; minus strand). Cytogenetic location: 19p13.3.
Variant type: single nucleotide variant.
Coding change: c.570+165G>A on transcript NM_000156.6 (MANE Select); 165 bases into the intron after coding-DNA position 570, G replaced by A.
Molecular consequence: intron variant. On other transcripts: synonymous variant (1).
Genome position (GRCh38, 1-based): chr19:1,398,751, C>T on the plus strand (G>A on the coding strand, the complement: GAMT is on the minus strand). VCF-style: chr19-1398751-C-T. GRCh37 (hg19) VCF-style: chr19-1398750-C-T.
Other names: p.A245A:GCG>GCA; c.735G>A, p.Ala245= (NM_138924.3).
Identifiers: ClinVar variation 137437 (VCV000137437.20), dbSNP rs74253480, ClinGen allele CA291020.

ClinVar aggregate classification (germline): Benign/Likely benign. Review status: criteria provided, multiple submitters, no conflicts (2 of 4 stars). 6 submissions from 6 submitters: Benign (3); Likely benign (1). 2 of the submissions do not count toward it. Last evaluated 2026-08-01.

Conditions:
Deficiency of guanidinoacetate methyltransferase (CCDS2). Also called: Guanidinoacetate Methyltransferase (GAMT) Deficiency; GAMT DEFICIENCY; CEREBRAL CREATINE DEFICIENCY SYNDROME 2. Identifiers: Orphanet 382, MedGen C0574080, MONDO:0012999, OMIM 612736.

Allele frequency attached by ClinVar (database versions not stated): TOPMed 0.00912; ESP Exome Variant Server 0.00967; gnomAD 0.00981 and 0.00983; ExAC 0.01011; gnomAD exomes 0.01046 and 0.01208; 1000 Genomes Project 30x 0.01093; 1000 Genomes Project 0.01138.
gnomAD v4.1: 18,505 of 1,547,520 alleles (1.2%); highest among the groups gnomAD compares: Non-Finnish European, 1.3%; 150 homozygotes.

Submissions (6):

CeGaT Center for Human Genetics Tuebingen
Classification: Benign. Last evaluated: 2026-08-01. Review status: criteria provided, single submitter. Criteria: CeGaT Center For Human Genetics Tuebingen Variant Classification Criteria Version 2. Collection method: clinical testing. Allele origin: germline. Affected: yes. Observed: 46 variant alleles.
Comment: GAMT: BP4, BP7, BS1, BS2

Blueprint Genetics
Classification: Likely benign. Last evaluated: 2024-11-27. Review status: criteria provided, single submitter. Criteria: ACMG Guidelines, 2015. Collection method: clinical testing. Allele origin: germline.

GeneDx
Classification: Benign. Last evaluated: 2012-11-29. Review status: criteria provided, single submitter. Criteria: GeneDx Variant Classification (06012015). Collection method: clinical testing. Allele origin: germline. Affected: yes.
Comment: This variant is considered likely benign or benign based on one or more of the following criteria: it is a conservative change, it occurs at a poorly conserved position in the protein, it is predicted to be benign by multiple in silico algorithms, and/or has population frequency not consistent with disease.

Breakthrough Genomics
Classification: Benign. Review status: criteria provided, single submitter. Criteria: ACMG Guidelines, 2015. Collection method: not provided. Allele origin: germline. Inheritance: Autosomal recessive inheritance. Affected: yes.

Clinical Genetics, Academic Medical Center
Classification: Benign. Review status: no assertion criteria provided. Collection method: clinical testing. Allele origin: germline. Affected: yes. Study: VKGL Data-share Consensus. Not counted in ClinVar's aggregate classification.

Diagnostic Laboratory, Department of Genetics, University Medical Center Groningen
Classification: Benign for Deficiency of guanidinoacetate methyltransferase. Review status: no assertion criteria provided. Collection method: clinical testing. Allele origin: germline. Affected: yes. Study: VKGL Data-share Consensus. Not counted in ClinVar's aggregate classification.